The following is an entry in ClinVar:

ClinVar aggregate classification (germline): Benign/Likely benign. Review status: criteria provided, multiple submitters, no conflicts (2 of 4 stars). 14 submissions from 14 submitters: Benign (11); Likely benign (1). 2 of the submissions do not count toward it. Last evaluated 2026-02-04.

Conditions:
Combined immunodeficiency due to DOCK8 deficiency (HIES2). Also called: HIES autosomal recessive; Hyper-IgE recurrent infection syndrome, autosomal recessive; HYPER-IgE SYNDROME 2, AUTOSOMAL RECESSIVE, WITH RECURRENT INFECTIONS; HYPER-IgE RECURRENT INFECTION SYNDROME 2, AUTOSOMAL RECESSIVE; DOCK8 Deficiency. Identifiers: Orphanet 217390, MedGen C4722305, MONDO:0009478, OMIM 243700.

Allele frequency attached by ClinVar (database versions not stated): 1000 Genomes Project 30x 0.38804; 1000 Genomes Project 0.39177; TOPMed 0.43681; gnomAD 0.44487 and 0.44730; ESP Exome Variant Server 0.46263.
gnomAD v4.1: 916,137 of 1,613,794 alleles (57%); highest among the groups gnomAD compares: Non-Finnish European, 62%; 271,763 homozygotes.

Submissions (14):

Labcorp Genetics (formerly Invitae), Labcorp
Classification: Benign for Combined immunodeficiency due to DOCK8 deficiency. Last evaluated: 2026-02-04. Review status: criteria provided, single submitter. Criteria: Invitae Variant Classification Sherloc (09022015). Collection method: clinical testing. Allele origin: germline.

Women's Health and Genetics/Laboratory Corporation of America, LabCorp
Classification: Benign. Last evaluated: 2026-01-21. Review status: criteria provided, single submitter. Criteria: LabCorp Variant Classification Summary - May 2015. Collection method: clinical testing. Allele origin: germline.

Blueprint Genetics
Classification: Likely benign. Last evaluated: 2024-11-27. Review status: criteria provided, single submitter. Criteria: ACMG Guidelines, 2015. Collection method: clinical testing. Allele origin: germline.

Unidad de Genómica Garrahan, Hospital de Pediatría Garrahan
Classification: Benign. Last evaluated: 2023-11-12. Review status: criteria provided, single submitter. Criteria: ACMG Guidelines, 2015. Collection method: clinical testing. Allele origin: germline. Affected: no. Observed: 63 variant alleles.
Comment: This variant is classified as Benign based on local population frequency. This variant was detected in 66% of patients studied by a panel of primary immunodeficiencies. Number of patients: 63. Only high quality variants are reported.

Genome-Nilou Lab
Classification: Benign for Combined immunodeficiency due to DOCK8 deficiency. Last evaluated: 2021-07-14. Review status: criteria provided, single submitter. Criteria: ACMG Guidelines, 2015. Collection method: clinical testing. Allele origin: germline. Affected: no.

Mayo Clinic Laboratories, Mayo Clinic
Classification: Benign. Last evaluated: 2019-02-26. Review status: criteria provided, single submitter. Criteria: ACMG Guidelines, 2015. Collection method: clinical testing. Allele origin: germline. Observed: 702 variant alleles.

Illumina Laboratory Services, Illumina
Classification: Benign for Combined immunodeficiency due to DOCK8 deficiency. Last evaluated: 2018-01-12. Review status: criteria provided, single submitter. Criteria: ICSL Variant Classification Criteria 13 December 2019. Collection method: clinical testing. Allele origin: germline.
Comment: This variant was observed in the ICSL laboratory as part of a predisposition screen in an ostensibly healthy population. It had not been previously curated by ICSL or reported in the Human Gene Mutation Database (HGMD: prior to June 1st, 2018), and was therefore a candidate for classification through an automated scoring system. Utilizing variant allele frequency, disease prevalence and penetrance estimates, and inheritance mode, an automated score was calculated to assess if this variant is too frequent to cause the disease. Based on the score and internal cut-off values, a variant classified as benign is not then subjected to further curation. The score for this variant resulted in a classification of benign for this disease.

Oxford Medical Genetics Laboratories, Oxford University Hospitals NHS Foundation Trust
Classification: Benign for Combined immunodeficiency due to DOCK8 deficiency. Last evaluated: 2015-08-25. Review status: criteria provided, single submitter. Criteria: Kienzler et al. (Clin Immunol. 2016). Collection method: clinical testing. Allele origin: germline. Affected: yes and no. Observed: 1 heterozygote, 2 homozygotes.

GeneDx
Classification: Benign. Last evaluated: 2015-03-03. Review status: criteria provided, single submitter. Criteria: GeneDx Variant Classification Process June 2021. Collection method: clinical testing. Allele origin: germline. Affected: yes.

Laboratory for Molecular Medicine, Mass General Brigham Personalized Medicine
Classification: Benign. Last evaluated: 2013-02-21. Review status: criteria provided, single submitter. Criteria: LMM Criteria. Collection method: clinical testing. Allele origin: germline. Observed: 55 variant alleles.
Comment: Leu1369Leu in exon 32 of DOCK8: This variant is not expected to have clinical si gnificance because it does not alter an amino acid residue and is not located wi thin the splice consensus sequence. It has been identified in 38.7% (3325/8600) of European American chromosomes from a broad population by the NHLBI Exome Sequ encing Project (dbSNP rs2297079).

Breakthrough Genomics
Classification: Benign. Review status: criteria provided, single submitter. Criteria: ACMG Guidelines, 2015. Collection method: not provided. Allele origin: germline. Inheritance: Autosomal recessive inheritance. Affected: yes.

PreventionGenetics, part of Exact Sciences
Classification: Benign. Review status: criteria provided, single submitter. Criteria: ACMG Guidelines, 2015. Collection method: clinical testing. Allele origin: germline.

Diagnostic Laboratory, Department of Genetics, University Medical Center Groningen
Classification: Benign. Review status: no assertion criteria provided. Collection method: clinical testing. Allele origin: germline. Affected: yes. Study: VKGL Data-share Consensus. Not counted in ClinVar's aggregate classification.

Genome Diagnostics Laboratory, University Medical Center Utrecht
Classification: Benign. Review status: no assertion criteria provided. Collection method: clinical testing. Allele origin: germline. Affected: yes. Study: VKGL Data-share Consensus. Not counted in ClinVar's aggregate classification.

NM_203447.4(DOCK8):c.4107C>G (p.Leu1369=)

Gene: DOCK8 (dedicator of cytokinesis 8; plus strand). Cytogenetic location: 9p24.3.
Variant type: single nucleotide variant.
Coding change: c.4107C>G on transcript NM_203447.4 (MANE Select); coding-DNA position 4107, C replaced by G.
Protein change: p.Leu1369=; no amino-acid change (leucine 1369 retained).
Molecular consequence: synonymous variant.
Genome position (GRCh38, 1-based): chr9:421,032, C>G. VCF-style: chr9-421032-C-G. GRCh37 (hg19) VCF-style: chr9-421032-C-G.
Other names: p.Leu1369=; c.3807C>G, p.Leu1269= (NM_001190458.2); c.3903C>G, p.Leu1301= (NM_001193536.2).
Identifiers: ClinVar variation 178769 (VCV000178769.31), dbSNP rs2297079, ClinGen allele CA182991.